The following is an entry in ClinVar:

NM_003896.4(ST3GAL5):c.20G>A (p.Gly7Asp)

Genes: ST3GAL5 (ST3 beta-galactoside alpha-2,3-sialyltransferase 5; minus strand), LOC129934236 (ATAC-STARR-seq lymphoblastoid silent region 11709; plus strand). Cytogenetic location: 2p11.2.
Variant type: single nucleotide variant.
Coding change: c.20G>A on transcript NM_003896.4 (MANE Select); coding-DNA position 20, G replaced by A.
Protein change: p.Gly7Asp; replaces glycine 7 with aspartic acid.
Molecular consequence: missense variant. On other transcripts: 5 prime UTR variant (6).
Genome position (GRCh38, 1-based): chr2:85,888,886, C>T on the plus strand (G>A on the coding strand, the complement: ST3GAL5 is on the minus strand). VCF-style: chr2-85888886-C-T. GRCh37 (hg19) VCF-style: chr2-86116009-C-T.
Other names: c.-943G>A (NM_001354223.2); c.-605G>A (NM_001354224.2); c.-542G>A (NM_001354226.2); c.-252G>A (NM_001354227.2); c.-196G>A (NM_001354229.2); c.-982G>A (NM_001354233.2); c.20G>A, p.Gly7Asp (NM_001363847.1); short protein forms G7D.
Identifiers: ClinVar variation 895394 (VCV000895394.10), dbSNP rs752086854, ClinGen allele CA1745240.
Genomic context (GRCh38, chr2:85,888,886, plus strand): 5'-CGGCCGGCAGGTGCCGCCGCTGCCTCGGTCCGCGGCTGCAGGGGACGCCGCTCCGCGCAG[C>T]CCGCCGCCTTCGTCCGCATACTAATGAGGGGGCGCCGGCCGGCCGCCAGCCCGGTACCCC-3'
Protein context (NP_003887.3, residues 1-17): MRTKAA[Gly7Asp]CAERRPLQPR

ClinVar aggregate classification (germline): Uncertain significance. Review status: criteria provided, multiple submitters, no conflicts (2 of 4 stars). 2 submissions from 2 submitters: Uncertain significance (2). Last evaluated 2022-06-20.

Conditions:
GM3 synthase deficiency (SPDRS). Also called: SALT AND PEPPER DEVELOPMENTAL REGRESSION SYNDROME; AMISH INFANTILE EPILEPSY SYNDROME; SALT AND PEPPER MENTAL RETARDATION SYNDROME. Identifiers: Orphanet 171714, Orphanet 370933, MedGen C1836824, MONDO:0018274, OMIM 609056.

Allele frequency attached by ClinVar (database versions not stated): TOPMed 0.00001; gnomAD exomes 0.00002 and 0.00007; gnomAD 0.00003; ExAC 0.00015.
gnomAD v4.1: 28 of 1,373,270 alleles (0.002%); highest among the groups gnomAD compares: Middle Eastern, 0.11%; no homozygotes.

Submissions (2):

Labcorp Genetics (formerly Invitae), Labcorp
Classification: Uncertain significance for GM3 synthase deficiency. Last evaluated: 2022-06-20. Review status: criteria provided, single submitter. Criteria: Invitae Variant Classification Sherloc (09022015). Collection method: clinical testing. Allele origin: germline.
Comment: This sequence change replaces glycine, which is neutral and non-polar, with aspartic acid, which is acidic and polar, at codon 7 of the ST3GAL5 protein (p.Gly7Asp). This variant is present in population databases (rs752086854, gnomAD 0.01%). This variant has not been reported in the literature in individuals affected with ST3GAL5-related conditions. ClinVar contains an entry for this variant (Variation ID: 895394). Algorithms developed to predict the effect of missense changes on protein structure and function are either unavailable or do not agree on the potential impact of this missense change (SIFT: "Deleterious"; PolyPhen-2: "Benign"; Align-GVGD: "Class C0"). In summary, the available evidence is currently insufficient to determine the role of this variant in disease. Therefore, it has been classified as a Variant of Uncertain Significance.

Illumina Laboratory Services, Illumina
Classification: Uncertain significance for GM3 synthase deficiency. Last evaluated: 2018-01-13. Review status: criteria provided, single submitter. Criteria: ICSL Variant Classification Criteria 13 December 2019. Collection method: clinical testing. Allele origin: germline.